The following is an entry in ClinVar:

ClinVar aggregate classification (germline): Uncertain significance (1 of 4 stars; one submission).

Conditions:
Progressive myoclonic epilepsy type 3. Also called: EPILEPSY, PROGRESSIVE MYOCLONIC, 3, WITHOUT INTRACELLULAR INCLUSIONS; KCTD7-Related Progressive Myoclonic Epilepsy; EPILEPSY, PROGRESSIVE MYOCLONIC, 3, WITH OR WITHOUT INTRACELLULAR INCLUSIONS; CEROID LIPOFUSCINOSIS, NEURONAL, 14. Identifiers: Orphanet 263516, MedGen C2673257, MONDO:0012721, OMIM 611726.

Allele frequency attached by ClinVar (database versions not stated): TOPMed below 0.00001; ExAC 0.00001; gnomAD exomes 0.00001.

Submission:

Labcorp Genetics (formerly Invitae), Labcorp
Classification: Uncertain significance for Progressive myoclonic epilepsy type 3. Last evaluated: 2020-06-04. Review status: criteria provided, single submitter. Criteria: Invitae Variant Classification Sherloc (09022015). Collection method: clinical testing. Allele origin: germline.
Comment: This sequence change replaces proline with arginine at codon 201 of the KCTD7 protein (p.Pro201Arg). The proline residue is highly conserved and there is a moderate physicochemical difference between proline and arginine. This variant is present in population databases (rs774050685, ExAC 0.001%). This variant has not been reported in the literature in individuals with KCTD7-related conditions. Algorithms developed to predict the effect of missense changes on protein structure and function are either unavailable or do not agree on the potential impact of this missense change (SIFT: "Deleterious"; PolyPhen-2: "Benign"; Align-GVGD: "Class C65"). In summary, the available evidence is currently insufficient to determine the role of this variant in disease. Therefore, it has been classified as a Variant of Uncertain Significance.

NM_153033.5(KCTD7):c.602C>G (p.Pro201Arg)

Gene: KCTD7 (potassium channel tetramerization domain containing 7; plus strand). Cytogenetic location: 7q11.21.
Variant type: single nucleotide variant.
Coding change: c.602C>G on transcript NM_153033.5 (MANE Select); coding-DNA position 602, C replaced by G.
Protein change: p.Pro201Arg; replaces proline 201 with arginine.
Molecular consequence: missense variant.
Genome position (GRCh38, 1-based): chr7:66,638,964, C>G. VCF-style: chr7-66638964-C-G. GRCh37 (hg19) VCF-style: chr7-66103951-C-G.
Other names: c.602C>G, p.Pro201Arg (NM_001167961.2); short protein forms P201R.
Identifiers: ClinVar variation 1041988 (VCV001041988.9), dbSNP rs774050685, ClinGen allele CA4278298.